The following is an entry in ClinVar:

NM_015102.5(NPHP4):c.2031C>T (p.Pro677=)

Gene: NPHP4 (nephrocystin 4; minus strand). Cytogenetic location: 1p36.31.
Variant type: single nucleotide variant.
Coding change: c.2031C>T on transcript NM_015102.5 (MANE Select); coding-DNA position 2031, C replaced by T.
Protein change: p.Pro677=; no amino-acid change (proline 677 retained).
Molecular consequence: synonymous variant. On other transcripts: non-coding transcript variant (1).
Genome position (GRCh38, 1-based): chr1:5,904,729, G>A on the plus strand (C>T on the coding strand, the complement: NPHP4 is on the minus strand). VCF-style: chr1-5904729-G-A. GRCh37 (hg19) VCF-style: chr1-5964789-G-A.
Other names: p.Pro677=; c.492C>T, p.Pro164= (NM_001291593.2); c.495C>T, p.Pro165= (NM_001291594.2).
Identifiers: ClinVar variation 240966 (VCV000240966.18), dbSNP rs34373111, ClinGen allele CA554297.

ClinVar aggregate classification (germline): Benign. Review status: criteria provided, multiple submitters, no conflicts (2 of 4 stars). 6 submissions from 5 submitters: Benign (6). Last evaluated 2026-02-01.

Conditions:
Nephronophthisis. Also called: Juvenile Nephronophthisis. Identifiers: Orphanet 655, MedGen C0687120, MONDO:0019005, HP:0000090.
Senior-Loken syndrome 4 (SLSN4). Identifiers: Orphanet 3156, MedGen C1846979, MONDO:0011756, OMIM 606996.
Nephronophthisis 4 (NPHP4). Also called: NEPHRONOPHTHISIS 4, JUVENILE. Identifiers: Orphanet 655, MedGen C1847013, MONDO:0011752, OMIM 606966.

Allele frequency attached by ClinVar (database versions not stated): gnomAD exomes 0.00098 and 0.00240; ExAC 0.00296; 1000 Genomes Project 0.00819; 1000 Genomes Project 30x 0.00890; gnomAD 0.01016 and 0.01102; ESP Exome Variant Server 0.01040; TOPMed 0.01179.
gnomAD v4.1: 3,107 of 1,613,998 alleles (0.19%); highest among the groups gnomAD compares: African/African-American, 3.5%; 55 homozygotes.

Submissions (6):

Labcorp Genetics (formerly Invitae), Labcorp
Classification: Benign for Nephronophthisis. Last evaluated: 2026-02-01. Review status: criteria provided, single submitter. Criteria: Invitae Variant Classification Sherloc (09022015). Collection method: clinical testing. Allele origin: germline.

Mayo Clinic Laboratories, Mayo Clinic
Classification: Benign. Last evaluated: 2021-06-22. Review status: criteria provided, single submitter. Criteria: ACMG Guidelines, 2015. Collection method: clinical testing. Allele origin: germline. Observed: 12 variant alleles.

Illumina Laboratory Services, Illumina
Classification: Benign for Senior-Loken syndrome 4. Last evaluated: 2018-01-13. Review status: criteria provided, single submitter. Criteria: ICSL Variant Classification Criteria 13 December 2019. Collection method: clinical testing. Allele origin: germline.
Comment: This variant was observed in the ICSL laboratory as part of a predisposition screen in an ostensibly healthy population. It had not been previously curated by ICSL or reported in the Human Gene Mutation Database (HGMD: prior to June 1st, 2018), and was therefore a candidate for classification through an automated scoring system. Utilizing variant allele frequency, disease prevalence and penetrance estimates, and inheritance mode, an automated score was calculated to assess if this variant is too frequent to cause the disease. Based on the score and internal cut-off values, a variant classified as benign is not then subjected to further curation. The score for this variant resulted in a classification of benign for this disease.

Illumina Laboratory Services, Illumina
Classification: Benign for Nephronophthisis 4. Last evaluated: 2018-01-13. Review status: criteria provided, single submitter. Criteria: ICSL Variant Classification Criteria 13 December 2019. Collection method: clinical testing. Allele origin: germline.
Comment: the same text as in the submission from Illumina Laboratory Services, Illumina above.

Breakthrough Genomics
Classification: Benign. Review status: criteria provided, single submitter. Criteria: ACMG Guidelines, 2015. Collection method: not provided. Allele origin: germline. Inheritance: Autosomal recessive inheritance. Affected: yes.

PreventionGenetics, part of Exact Sciences
Classification: Benign. Review status: criteria provided, single submitter. Criteria: ACMG Guidelines, 2015. Collection method: clinical testing. Allele origin: germline.